The following is an entry in ClinVar:

ClinVar aggregate classification (germline): Uncertain significance (1 of 4 stars; one submission).

Conditions:
Mosaic variegated aneuploidy syndrome 2 (MVA2). Identifiers: Orphanet 1052, MedGen C3279843, MONDO:0013582, OMIM 614114.

Submission:

Labcorp Genetics (formerly Invitae), Labcorp
Classification: Uncertain significance for Mosaic variegated aneuploidy syndrome 2. Last evaluated: 2023-07-25. Review status: criteria provided, single submitter. Criteria: Invitae Variant Classification Sherloc (09022015). Collection method: clinical testing. Allele origin: germline.
Comment: In summary, the available evidence is currently insufficient to determine the role of this variant in disease. Therefore, it has been classified as a Variant of Uncertain Significance. Algorithms developed to predict the effect of sequence changes on RNA splicing suggest that this variant may create or strengthen a splice site. Advanced modeling of protein sequence and biophysical properties (such as structural, functional, and spatial information, amino acid conservation, physicochemical variation, residue mobility, and thermodynamic stability) performed at Invitae indicates that this missense variant is not expected to disrupt CEP57 protein function. This variant has not been reported in the literature in individuals affected with CEP57-related conditions. This variant is not present in population databases (gnomAD no frequency). This sequence change replaces serine, which is neutral and polar, with threonine, which is neutral and polar, at codon 271 of the CEP57 protein (p.Ser271Thr).

NM_014679.5(CEP57):c.812G>C (p.Ser271Thr)

Gene: CEP57 (centrosomal protein 57; plus strand). Cytogenetic location: 11q21.
Variant type: single nucleotide variant.
Coding change: c.812G>C on transcript NM_014679.5 (MANE Select); coding-DNA position 812, G replaced by C.
Protein change: p.Ser271Thr; replaces serine 271 with threonine.
Molecular consequence: missense variant. On other transcripts: intron variant (1).
Genome position (GRCh38, 1-based): chr11:95,822,503, G>C. VCF-style: chr11-95822503-G-C. GRCh37 (hg19) VCF-style: chr11-95555667-G-C.
Other names: c.785G>C, p.Ser262Thr (NM_001243776.2); c.731G>C, p.Ser244Thr (NM_001363604.2); c.807+525G>C (NM_001243777.2); short protein forms S271T, S262T, S244T.
Identifiers: ClinVar variation 2746888 (VCV002746888.3), dbSNP rs1195501898, ClinGen allele CA382405555.
Genomic context (GRCh38, chr11:95,822,503, plus strand): 5'-CAGTTTTTATTATCATGTGAATAAAATAAAATTGTTTTCCTTTTCTTTTCATTCAGAAAA[G>C]TTCTAGGAACTATTTTGGTGCACAACCACATTATAGATTATGCTTGGGTGATATGCCATT-3'
Protein context (NP_055494.2, residues 261-281): KKKSKPPEKK[Ser271Thr]SRNYFGAQPH